The following is an entry in ClinVar:

ClinVar aggregate classification (germline): Uncertain significance (1 of 4 stars; one submission).

Conditions:
Hereditary cancer-predisposing syndrome. Also called: Hereditary Cancer Syndrome; Hereditary neoplastic syndrome; Tumor predisposition; Neoplastic Syndromes, Hereditary. Identifiers: Orphanet 140162, MedGen C0027672, MeSH D009386, MONDO:0015356.
Cardiovascular phenotype. Identifiers: MedGen CN230736.

Submission:

Ambry Genetics
Classification: Uncertain significance for Cardiovascular phenotype; Hereditary cancer-predisposing syndrome. Last evaluated: 2024-10-18. Review status: criteria provided, single submitter. Criteria: Ambry Variant Classification Scheme 2023. Collection method: clinical testing. Allele origin: germline.
Comment: The p.R198S variant (also known as c.594G>T), located in coding exon 7 of the LZTR1 gene, results from a G to T substitution at nucleotide position 594. This variant impacts the first base pair of coding exon 7. The arginine at codon 198 is replaced by serine, an amino acid with dissimilar properties. This amino acid position is highly conserved in available vertebrate species. In addition, this alteration is predicted to be tolerated by in silico analysis. Based on the available evidence, the clinical significance of this variant remains unclear.

NM_006767.4(LZTR1):c.594G>T (p.Arg198Ser)

Gene: LZTR1 (leucine zipper like post translational regulator 1; plus strand). Cytogenetic location: 22q11.21.
Variant type: single nucleotide variant.
Coding change: c.594G>T on transcript NM_006767.4 (MANE Select); coding-DNA position 594, G replaced by T.
Protein change: p.Arg198Ser; replaces arginine 198 with serine.
Molecular consequence: missense variant.
Genome position (GRCh38, 1-based): chr22:20,989,625, G>T. VCF-style: chr22-20989625-G-T. GRCh37 (hg19) VCF-style: chr22-21343914-G-T.
Other names: short protein forms R198S.
Identifiers: ClinVar variation 3541637 (VCV003541637.1).